The following is an entry in ClinVar:

ClinVar aggregate classification (germline): Uncertain significance. Review status: criteria provided, multiple submitters, no conflicts (2 of 4 stars). 2 submissions from 2 submitters: Uncertain significance (2). Last evaluated 2025-06-16.

Conditions:
Long QT syndrome (LQTS). Identifiers: MedGen C0023976, MeSH D008133, MONDO:0002442. Disease mechanism: loss of function. Inheritance: Various modes of inheritance.
Cardiovascular phenotype. Identifiers: MedGen CN230736.

Allele frequency attached by ClinVar (database versions not stated): gnomAD 0.00001; gnomAD exomes 0.00001; TOPMed 0.00001.
gnomAD v4.1: 7 of 1,613,382 alleles (0.00043%); highest among the groups gnomAD compares: Non-Finnish European, 0.00059%; no homozygotes.

Submissions (2):

Ambry Genetics
Classification: Uncertain significance for Cardiovascular phenotype. Last evaluated: 2025-06-16. Review status: criteria provided, single submitter. Criteria: Ambry Variant Classification Scheme 2023. Collection method: clinical testing. Allele origin: germline.
Comment: The p.A925T variant (also known as c.2773G>A), located in coding exon 8 of the AKAP9 gene, results from a G to A substitution at nucleotide position 2773. The alanine at codon 925 is replaced by threonine, an amino acid with similar properties. This amino acid position is conserved. In addition, this alteration is predicted to be tolerated by in silico analysis. Based on the available evidence, the clinical significance of this variant remains unclear.

Labcorp Genetics (formerly Invitae), Labcorp
Classification: Uncertain significance for Long QT syndrome. Last evaluated: 2021-05-31. Review status: criteria provided, single submitter. Criteria: Invitae Variant Classification Sherloc (09022015). Collection method: clinical testing. Allele origin: germline.
Comment: This sequence change replaces alanine with threonine at codon 925 of the AKAP9 protein (p.Ala925Thr). The alanine residue is weakly conserved and there is a small physicochemical difference between alanine and threonine. This variant is not present in population databases (ExAC no frequency). In summary, the available evidence is currently insufficient to determine the role of this variant in disease. Therefore, it has been classified as a Variant of Uncertain Significance. Algorithms developed to predict the effect of missense changes on protein structure and function output the following: SIFT: "Tolerated"; PolyPhen-2: "Benign"; Align-GVGD: "Class C0". The threonine amino acid residue is found in multiple mammalian species, suggesting that this missense change does not adversely affect protein function. These predictions have not been confirmed by published functional studies and their clinical significance is uncertain. This variant has not been reported in the literature in individuals with AKAP9-related conditions.

NM_005751.5(AKAP9):c.2773G>A (p.Ala925Thr)

Gene: AKAP9 (A-kinase anchoring protein 9; plus strand). Cytogenetic location: 7q21.2.
Variant type: single nucleotide variant.
Coding change: c.2773G>A on transcript NM_005751.5 (MANE Select); coding-DNA position 2773, G replaced by A.
Protein change: p.Ala925Thr; replaces alanine 925 with threonine.
Molecular consequence: missense variant.
Genome position (GRCh38, 1-based): chr7:92,002,690, G>A. VCF-style: chr7-92002690-G-A. GRCh37 (hg19) VCF-style: chr7-91632004-G-A.
Other names: c.2773G>A, p.Ala925Thr (NM_147185.3); c.2773G>A (NM_005751.4); short protein forms A925T.
Identifiers: ClinVar variation 1405723 (VCV001405723.9), dbSNP rs1280293616, ClinGen allele CA368124899.